The following is an entry in ClinVar:

ClinVar aggregate classification (germline): Uncertain significance. Review status: criteria provided, multiple submitters, no conflicts (2 of 4 stars). 2 submissions from 2 submitters: Uncertain significance (2). Last evaluated 2025-09-21.

Conditions:
Hereditary cancer-predisposing syndrome. Also called: Neoplastic Syndromes, Hereditary; Tumor predisposition; Hereditary neoplastic syndrome; Hereditary Cancer Syndrome. Identifiers: Orphanet 140162, MedGen C0027672, MeSH D009386, MONDO:0015356.

Submissions (2):

Ambry Genetics
Classification: Uncertain significance for Hereditary cancer-predisposing syndrome. Last evaluated: 2025-09-21. Review status: criteria provided, single submitter. Criteria: Ambry Variant Classification Scheme 2023. Collection method: clinical testing. Allele origin: germline.
Comment: The p.M532T variant (also known as c.1595T>C), located in coding exon 11 of the MSH3 gene, results from a T to C substitution at nucleotide position 1595. The methionine at codon 532 is replaced by threonine, an amino acid with similar properties. This amino acid position is conserved. In addition, this alteration is predicted to be tolerated by in silico analysis. Since supporting evidence is limited at this time, the clinical significance of this alteration remains unclear.

Labcorp Genetics (formerly Invitae), Labcorp
Classification: Uncertain significance. Last evaluated: 2019-11-16. Review status: criteria provided, single submitter. Criteria: Invitae Variant Classification Sherloc (09022015). Collection method: clinical testing. Allele origin: germline.
Comment: In summary, the available evidence is currently insufficient to determine the role of this variant in disease. Therefore, it has been classified as a Variant of Uncertain Significance. Algorithms developed to predict the effect of missense changes on protein structure and function output the following: SIFT: "Tolerated"; PolyPhen-2: "Benign"; Align-GVGD: "Class C0". The threonine amino acid residue is found in multiple mammalian species, suggesting that this missense change does not adversely affect protein function. These predictions have not been confirmed by published functional studies and their clinical significance is uncertain. This variant has not been reported in the literature in individuals with MSH3-related disease. This variant is not present in population databases (ExAC no frequency). This sequence change replaces methionine with threonine at codon 532 of the MSH3 protein (p.Met532Thr). The methionine residue is moderately conserved and there is a moderate physicochemical difference between methionine and threonine.

NM_002439.5(MSH3):c.1595T>C (p.Met532Thr)

Gene: MSH3 (mutS homolog 3; plus strand). Cytogenetic location: 5q14.1.
Variant type: single nucleotide variant.
Coding change: c.1595T>C on transcript NM_002439.5 (MANE Select); coding-DNA position 1595, T replaced by C.
Protein change: p.Met532Thr; replaces methionine 532 with threonine.
Molecular consequence: missense variant.
Genome position (GRCh38, 1-based): chr5:80,741,490, T>C. VCF-style: chr5-80741490-T-C. GRCh37 (hg19) VCF-style: chr5-80037309-T-C.
Other names: short protein forms M532T.
Identifiers: ClinVar variation 661139 (VCV000661139.14), dbSNP rs1580597313, ClinGen allele CA360274471.